The following is an entry in ClinVar:

ClinVar aggregate classification (germline): Conflicting classifications of pathogenicity. Review status: criteria provided, conflicting classifications (1 of 4 stars). 3 submissions from 3 submitters: Uncertain significance (1); Likely benign (2). Last evaluated 2026-01-16.

Conditions:
Malignant hyperthermia, susceptibility to, 1 (MHS1). Also called: Anesthesia related hyperthermia; Malignant hyperpyrexia; Fulminating hyperpyrexia; Pharmacogenic myopathy; RYR1-Related Malignant Hyperthermia Susceptibility; Malignant hyperthermia suceptibility 1. Identifiers: Orphanet 423, MedGen C2930980, MONDO:0007783, OMIM 145600.
RYR1-related disorder. Also called: RYR1-related disorders; RYR1-related condition. Identifiers: MedGen CN239331.

Allele frequency attached by ClinVar (database versions not stated): gnomAD exomes below 0.00001; gnomAD 0.00001.
gnomAD v4.1: 2 of 1,559,860 alleles (0.00013%); highest among the groups gnomAD compares: Admixed American, 0.0033%; no homozygotes.

Submissions (3):

Labcorp Genetics (formerly Invitae), Labcorp
Classification: Likely benign for RYR1-related disorder. Last evaluated: 2026-01-16. Review status: criteria provided, single submitter. Criteria: Invitae Variant Classification Sherloc (09022015). Collection method: clinical testing. Allele origin: germline.

Color Diagnostics, LLC DBA Color Health
Classification: Likely benign for Malignant hyperthermia, susceptibility to, 1. Last evaluated: 2025-05-21. Review status: criteria provided, single submitter. Criteria: ACMG Guidelines, 2015. Collection method: clinical testing. Allele origin: germline.

All of Us Research Program, National Institutes of Health
Classification: Uncertain significance for Malignant hyperthermia, susceptibility to, 1. Last evaluated: 2023-09-04. Review status: criteria provided, single submitter. Criteria: ACMG Guidelines, 2015. Collection method: clinical testing. Allele origin: germline. Inheritance: Autosomal dominant inheritance. Observed: 3 variant alleles, 3 heterozygotes.
Comment: This variant is located in the RYR1 protein. To our knowledge, functional studies have not been reported for this variant. This variant has not been reported in individuals affected with RYR1-related disorders in the literature. This variant has not been identified in the general population by the Genome Aggregation Database (gnomAD). The available evidence is insufficient to determine the role of this variant in disease conclusively. Therefore, this variant is classified as a Variant of Uncertain Significance.

This study involves interpretation of variants in research participants for the purpose of population health screening. Participant phenotype was not available at the time of variant classification. Additional details can be found in publication PMID: 35346344, PMCID: PMC8962531

NM_000540.3(RYR1):c.168T>C (p.Asn56=)

Gene: RYR1 (ryanodine receptor 1; plus strand). Cytogenetic location: 19q13.2.
Variant type: single nucleotide variant.
Coding change: c.168T>C on transcript NM_000540.3 (MANE Select); coding-DNA position 168, T replaced by C.
Protein change: p.Asn56=; no amino-acid change (asparagine 56 retained).
Molecular consequence: synonymous variant.
Genome position (GRCh38, 1-based): chr19:38,442,351, T>C. VCF-style: chr19-38442351-T-C. GRCh37 (hg19) VCF-style: chr19-38932991-T-C.
Other names: c.168T>C, p.Asn56= (NM_001042723.2).
Identifiers: ClinVar variation 2151486 (VCV002151486.5), dbSNP rs1266378538, ClinGen allele CA507238814.